The following is an entry in ClinVar:

NM_000501.4(ELN):c.1414+180A>G

Gene: ELN (elastin; plus strand). Cytogenetic location: 7q11.23.
Variant type: single nucleotide variant.
Coding change: c.1414+180A>G on transcript NM_000501.4 (MANE Select); 180 bases into the intron after coding-DNA position 1414, A replaced by G.
Molecular consequence: intron variant.
Genome position (GRCh38, 1-based): chr7:74,057,876, A>G. VCF-style: chr7-74057876-A-G. GRCh37 (hg19) VCF-style: chr7-73472206-A-G.
Other names: c.1429+180A>G (NM_001081754.3); c.1372+1163A>G (NM_001081753.3); c.1501+180A>G (NM_001278939.2); c.1414+180A>G (NM_001278915.2, NM_001278912.2); c.1357+1163A>G (NM_001081755.3); c.1315+1163A>G (NM_001278916.2); c.1171+1163A>G (NM_001278913.2); c.1342+1163A>G (NM_001278914.2); and 3 more.
Identifiers: ClinVar variation 674894 (VCV000674894.1), dbSNP rs55768931, ClinGen allele CA160110187.

ClinVar aggregate classification (germline): Benign (1 of 4 stars; one submission).

Allele frequency attached by ClinVar (database versions not stated): gnomAD 0.08972 and 0.09192; 1000 Genomes Project 30x 0.12008; TOPMed 0.09996; 1000 Genomes Project 0.11801.
gnomAD v4.1: 13,503 of 151,904 alleles (8.9%); highest among the groups gnomAD compares: African/African-American, 27%; 1,515 homozygotes.

Submission:

GeneDx
Classification: Benign. Last evaluated: 2018-06-14. Review status: criteria provided, single submitter. Criteria: GeneDx Variant Classification (06012015). Collection method: clinical testing. Allele origin: germline. Affected: yes.
Comment: This variant is considered likely benign or benign based on one or more of the following criteria: it is a conservative change, it occurs at a poorly conserved position in the protein, it is predicted to be benign by multiple in silico algorithms, and/or has population frequency not consistent with disease.